The following is an entry in ClinVar:

ClinVar aggregate classification (germline): Uncertain significance (1 of 4 stars; one submission).

Allele frequency attached by ClinVar (database versions not stated): gnomAD exomes below 0.00001.
gnomAD v4.1: 3 of 1,613,532 alleles (0.00019%); highest among the groups gnomAD compares: Non-Finnish European, 0.00025%; no homozygotes.

Submission:

GeneDx
Classification: Uncertain significance. Last evaluated: 2017-03-22. Review status: criteria provided, single submitter. Criteria: GeneDx Variant Classification (06012015). Collection method: clinical testing. Allele origin: germline. Affected: yes.
Comment: A variant of uncertain significance has been identified in the ZEB2 gene. The c.592+7 C>G variant has not been published as a pathogenic variant, nor has it been reported as a benign variant to our knowledge. The c.592+7 C>G variant is not observed in large population cohorts (Lek et al., 2016; 1000 Genomes Consortium et al., 2015; Exome Variant Server). This substitution occurs at a position that is conserved in mammals. Several in-silico splice prediction models predict that c.592+7 C>G does not lead to abnormal gene splicing. However, in the absence of RNA/functional studies, the actual effect of this sequence change in this individual is unknown. Therefore, based on the currently available information, it is unclear whether this variant is a pathogenic variant or a rare benign variant.

NM_014795.4(ZEB2):c.592+7C>G

Genes: ZEB2 (zinc finger E-box binding homeobox 2; minus strand), LOC111721705 (skeletal muscle cis-regulatory module overlapping ZEB2; plus strand). Cytogenetic location: 2q22.3.
Variant type: single nucleotide variant.
Coding change: c.592+7C>G on transcript NM_014795.4 (MANE Select); 7 bases into the intron after coding-DNA position 592, C replaced by G.
Molecular consequence: intron variant.
Genome position (GRCh38, 1-based): chr2:144,404,829, G>C on the plus strand (C>G on the coding strand, the complement: ZEB2 is on the minus strand). VCF-style: chr2-144404829-G-C. GRCh37 (hg19) VCF-style: chr2-145162396-G-C.
Other names: c.520+7C>G (NM_001171653.2).
Identifiers: ClinVar variation 424468 (VCV000424468.2), dbSNP rs1064796984, ClinGen allele CA16617232.